The following is an entry in ClinVar:

ClinVar aggregate classification (germline): Conflicting classifications of pathogenicity. Review status: criteria provided, conflicting classifications (1 of 4 stars). 3 submissions from 3 submitters: Likely pathogenic (1); Uncertain significance (2). Last evaluated 2024-07-10.

Conditions:
Nephrotic syndrome, type 2 (NPHS2). Also called: NEPHROTIC SYNDROME, STEROID-RESISTANT, AUTOSOMAL RECESSIVE. Identifiers: Orphanet 656, MedGen C1868672, MONDO:0010974, OMIM 600995.
Steroid-resistant nephrotic syndrome. Identifiers: MedGen C0403397, MONDO:0044765, HP:0012588.

Allele frequency attached by ClinVar (database versions not stated): ExAC 0.00001.

Submissions (3):

Natera, Inc.
Classification: Likely pathogenic for Steroid-resistant nephrotic syndrome. Last evaluated: 2024-07-10. Review status: criteria provided, single submitter. Criteria: Natera Variant Classification Schema (03/2026). Collection method: clinical testing. Allele origin: germline.
Comment: The c.419G>A variant in NPHS2 is a missense variant predicted to cause substitution of glycine to glutamic acid at amino acid 140. This variant is rare in the general population with a frequency below the threshold expected for the associated phenotype(s). This variant has been observed in one or more individuals affected with the associated recessive disease, as either homozygous or compound heterozygous with a second variant (PMID: 33980730, 28780565). Computational prediction algorithms indicate this variant is likely to affect gene or protein function. Given the available evidence, this variant is classified as Likely Pathogenic.

Victorian Clinical Genetics Services, Murdoch Childrens Research Institute
Classification: Uncertain significance for Nephrotic syndrome, type 2. Last evaluated: 2023-07-17. Review status: criteria provided, single submitter. Criteria: ACMG Guidelines, 2015. Collection method: clinical testing. Allele origin: germline. Inheritance: Autosomal recessive inheritance.
Comment: Based on the classification scheme VCGS_Germline_v1.3.4, this variant is classified as VUS-3A. Following criteria are met: 0102 - Loss of function is a known mechanism of disease in this gene and is associated with nephrotic syndrome, type 2 (MIM#600995). (I) 0106 - This gene is associated with autosomal recessive disease. (I) 0200 - Variant is predicted to result in a missense amino acid change from glycine to glutamic acid. (I) 0251 - This variant is heterozygous. (I) 0301 - Variant is absent from gnomAD (both v2 and v3). (SP) 0501 - Missense variant consistently predicted to be damaging by multiple in silico tools or highly conserved with a major amino acid change. (SP) 0600 - Variant is located in the annotated SPFH domain (DECIPHER). (I) 0803 - This variant has limited previous evidence of pathogenicity in an individual. It has also been reported as VUS in ClinVar without further information. (SP) 0905 - No published segregation evidence has been identified for this variant. (I) 1007 - No published functional evidence has been identified for this variant. (I) 0705 - No comparable missense variants have previous evidence for pathogenicity. (I) Legend: (SP) - Supporting pathogenic, (I) - Information, (SB) - Supporting benign

GeneDx
Classification: Uncertain significance. Last evaluated: 2019-11-06. Review status: criteria provided, single submitter. Criteria: GeneDx Variant Classification Process June 2021. Collection method: clinical testing. Allele origin: germline. Affected: yes.
Comment: Not observed in large population cohorts (Lek et al., 2016); In silico analysis, which includes protein predictors and evolutionary conservation, supports a deleterious effect; This variant is associated with the following publications: (PMID: 28780565)

Literature cited by the submitters: PubMed 33980730 (cited by Natera, Inc. and Victorian Clinical Genetics Services, Murdoch Childrens Research Institute); PubMed 28780565 (cited by Natera, Inc. and Victorian Clinical Genetics Services, Murdoch Childrens Research Institute).

NM_014625.4(NPHS2):c.419G>A (p.Gly140Glu)

Gene: NPHS2 (NPHS2 stomatin family member, podocin; minus strand). Cytogenetic location: 1q25.2.
Variant type: single nucleotide variant.
Coding change: c.419G>A on transcript NM_014625.4 (MANE Select); coding-DNA position 419, G replaced by A.
Protein change: p.Gly140Glu; replaces glycine 140 with glutamic acid.
Molecular consequence: missense variant.
Genome position (GRCh38, 1-based): chr1:179,561,321, C>T on the plus strand (G>A on the coding strand, the complement: NPHS2 is on the minus strand). VCF-style: chr1-179561321-C-T. GRCh37 (hg19) VCF-style: chr1-179530456-C-T.
Other names: c.419G>A, p.Gly140Glu (NM_001297575.2); short protein forms G140E.
Identifiers: ClinVar variation 1304552 (VCV001304552.4), dbSNP rs752360023, ClinGen allele CA1267229.